The following is an entry in ClinVar:

ClinVar aggregate classification (germline): Likely pathogenic (1 of 4 stars; one submission).

Conditions:
GLUT1 deficiency syndrome 1, autosomal recessive. Identifiers: MedGen C3149117.

Submission:

Labcorp Genetics (formerly Invitae), Labcorp
Classification: Likely pathogenic for GLUT1 deficiency syndrome 1, autosomal recessive. Last evaluated: 2022-07-12. Review status: criteria provided, single submitter. Criteria: Invitae Variant Classification Sherloc (09022015). Collection method: clinical testing. Allele origin: germline.
Comment: In summary, the currently available evidence indicates that the variant is pathogenic, but additional data are needed to prove that conclusively. Therefore, this variant has been classified as Likely Pathogenic. This variant disrupts the p.Gly76 amino acid residue in SLC2A1. Other variant(s) that disrupt this residue have been observed in individuals with SLC2A1-related conditions (PMID: 23340081, 25487684), which suggests that this may be a clinically significant amino acid residue. Advanced modeling of protein sequence and biophysical properties (such as structural, functional, and spatial information, amino acid conservation, physicochemical variation, residue mobility, and thermodynamic stability) performed at Invitae indicates that this missense variant is expected to disrupt SLC2A1 protein function. ClinVar contains an entry for this variant (Variation ID: 1464739). This missense change has been observed in individual(s) with SLC2A1-related conditions (PMID: 26598494). This variant is not present in population databases (gnomAD no frequency). This sequence change replaces glycine, which is neutral and non-polar, with valine, which is neutral and non-polar, at codon 76 of the SLC2A1 protein (p.Gly76Val).

Literature cited by the submitters: PubMed 23340081; PubMed 25487684; PubMed 26598494.

NM_006516.4(SLC2A1):c.227G>T (p.Gly76Val)

Gene: SLC2A1 (solute carrier family 2 member 1; minus strand). Cytogenetic location: 1p34.2.
Variant type: single nucleotide variant.
Coding change: c.227G>T on transcript NM_006516.4 (MANE Select); coding-DNA position 227, G replaced by T.
Protein change: p.Gly76Val; replaces glycine 76 with valine.
Molecular consequence: missense variant.
Genome position (GRCh38, 1-based): chr1:42,931,094, C>A on the plus strand (G>T on the coding strand, the complement: SLC2A1 is on the minus strand). VCF-style: chr1-42931094-C-A. GRCh37 (hg19) VCF-style: chr1-43396765-C-A.
Other names: short protein forms G76V.
Identifiers: ClinVar variation 1464739 (VCV001464739.8), dbSNP rs2124450794, ClinGen allele CA339961845.
Genomic context (GRCh38, chr1:42,931,094, plus strand): 5'-TCTCCTACTTACCGGCCAAAGCGGTTAACGAAAAGGCCCACAGAGAAGGAGCCAATCATG[C>A]CCCCAACAGAAAAGATGGCCACTGAGAGGGACCAGAGCGTGGTGAGCGTGGTGGGCAGGA-3'
Protein context (NP_006507.2, residues 66-86): SLSVAIFSVG[Gly76Val]MIGSFSVGLF